The following is an entry in ClinVar:

ClinVar aggregate classification (germline): Uncertain significance (1 of 4 stars; one submission).

gnomAD v4.1: 1 of 1,596,212 alleles (0.000063%); highest among the groups gnomAD compares: Admixed American, 0.0017%; no homozygotes.

Submission:

Labcorp Genetics (formerly Invitae), Labcorp
Classification: Uncertain significance. Last evaluated: 2022-08-22. Review status: criteria provided, single submitter. Criteria: Invitae Variant Classification Sherloc (09022015). Collection method: clinical testing. Allele origin: germline.
Comment: In summary, the available evidence is currently insufficient to determine the role of this variant in disease. Therefore, it has been classified as a Variant of Uncertain Significance. Advanced modeling of protein sequence and biophysical properties (such as structural, functional, and spatial information, amino acid conservation, physicochemical variation, residue mobility, and thermodynamic stability) performed at Invitae indicates that this missense variant is not expected to disrupt COL27A1 protein function. This variant has not been reported in the literature in individuals affected with COL27A1-related conditions. This variant is not present in population databases (gnomAD no frequency). This sequence change replaces glutamine, which is neutral and polar, with glutamic acid, which is acidic and polar, at codon 1077 of the COL27A1 protein (p.Gln1077Glu).

NM_032888.4(COL27A1):c.3229C>G (p.Gln1077Glu)

Gene: COL27A1 (collagen type XXVII alpha 1 chain; plus strand). Cytogenetic location: 9q32.
Variant type: single nucleotide variant.
Coding change: c.3229C>G on transcript NM_032888.4 (MANE Select); coding-DNA position 3229, C replaced by G.
Protein change: p.Gln1077Glu; replaces glutamine 1077 with glutamic acid.
Molecular consequence: missense variant.
Genome position (GRCh38, 1-based): chr9:114,264,388, C>G. VCF-style: chr9-114264388-C-G. GRCh37 (hg19) VCF-style: chr9-117026668-C-G.
Other names: short protein forms Q1077E.
Identifiers: ClinVar variation 1432817 (VCV001432817.4), dbSNP rs2135591451, ClinGen allele CA374596103.